The following is an entry in ClinVar:

NM_000548.5(TSC2):c.1528C>T (p.Gln510Ter)

Gene: TSC2 (TSC complex subunit 2; plus strand). Cytogenetic location: 16p13.3.
Variant type: single nucleotide variant.
Coding change: c.1528C>T on transcript NM_000548.5 (MANE Select); coding-DNA position 1528, C replaced by T.
Protein change: p.Gln510Ter; replaces glutamine 510 with a stop codon.
Molecular consequence: nonsense.
Genome position (GRCh38, 1-based): chr16:2,064,356, C>T. VCF-style: chr16-2064356-C-T. GRCh37 (hg19) VCF-style: chr16-2114357-C-T.
Other names: c.1528C>T, p.Gln510Ter (NM_001077183.3, NM_001114382.3, NM_001363528.2 and 6 more transcripts); c.1417C>T, p.Gln473Ter (NM_001318827.2, NM_001406670.1, NM_001406678.1); c.1381C>T, p.Gln461Ter (NM_001318829.2, NM_001406675.1, NM_001406676.1 and 1 more transcripts); c.928C>T, p.Gln310Ter (NM_001318831.2, NM_001406680.1, NM_001406682.1 and 6 more transcripts); c.1561C>T, p.Gln521Ter (NM_001318832.2); c.1618C>T, p.Gln540Ter (NM_001406667.1, NM_001406668.1); c.1516C>T, p.Gln506Ter (NM_001406671.1, NM_001406673.1); c.1471C>T, p.Gln491Ter (NM_001406677.1); and 3 more; short protein forms Q310*, Q356*, Q461*, Q473*, Q491*, Q506*, Q510*, Q521*.
Identifiers: ClinVar variation 1810234 (VCV001810234.2), dbSNP rs2151190319, ClinGen allele CA394326267.

ClinVar aggregate classification (germline): Pathogenic (1 of 4 stars; one submission).

Conditions:
Lymphangiomyomatosis (LAM). Also called: Lymphangioleiomyomatosis; Lymphangioleiomyomatosis, somatic. Identifiers: Orphanet 538, MedGen C0751674, MONDO:0011705, OMIM 606690.

Submission:

Dubai Health Genomic Medicine Center, Dubai Health
Classification: Pathogenic for Lymphangioleiomyomatosis. Last evaluated: 2024-10-04. Review status: criteria provided, single submitter. Criteria: ACMG Guidelines, 2015. Collection method: research. Allele origin: germline. Affected: yes.
Comment: PVS1, PS2, PM2, PP4